The following is an entry in ClinVar:

NM_053025.4(MYLK):c.5047G>A (p.Glu1683Lys)

Genes: MYLK (myosin light chain kinase; minus strand), MYLK-AS1 (MYLK antisense RNA 1; plus strand), LOC126806791 (MED14-independent group 3 enhancer GRCh37_chr3:123347871-123349070; plus strand). Cytogenetic location: 3q21.1.
Variant type: single nucleotide variant.
Coding change: c.5047G>A on transcript NM_053025.4 (MANE Select); coding-DNA position 5047, G replaced by A.
Protein change: p.Glu1683Lys; replaces glutamic acid 1683 with lysine.
Molecular consequence: missense variant. On other transcripts: non-coding transcript variant (2), intron variant (2).
Genome position (GRCh38, 1-based): chr3:123,629,541, C>T on the plus strand (G>A on the coding strand, the complement: MYLK is on the minus strand). VCF-style: chr3-123629541-C-T. GRCh37 (hg19) VCF-style: chr3-123348388-C-T.
Other names: c.4519G>A, p.Glu1507Lys (NM_001321309.2); c.4840G>A, p.Glu1614Lys (NM_053026.4); c.4755-2600G>A (NM_053028.4); c.4962-2600G>A (NM_053027.4); c.5047G>A (NM_053025.3); short protein forms E1614K, E1507K, E1683K.
Identifiers: ClinVar variation 1367401 (VCV001367401.7), dbSNP rs968157617, ClinGen allele CA82944816.

ClinVar aggregate classification (germline): Uncertain significance. Review status: criteria provided, multiple submitters, no conflicts (2 of 4 stars). 2 submissions from 2 submitters: Uncertain significance (2). Last evaluated 2026-07-21.

Conditions:
Aortic aneurysm, familial thoracic 7 (AAT7). Also called: AORTIC DISSECTION, FAMILIAL, WITH OR WITHOUT AORTIC ANEURYSM. Identifiers: MedGen C3151077, MONDO:0013418, OMIM 613780.
Familial thoracic aortic aneurysm and aortic dissection (TAAD). Also called: Thoracic aortic aneurysms and dissections. Identifiers: Orphanet 91387, MedGen C4707243, MONDO:0019625.

Allele frequency attached by ClinVar (database versions not stated): TOPMed below 0.00001.
gnomAD v4.1: 1 of 1,614,194 alleles (0.000062%); highest among the groups gnomAD compares: Non-Finnish European, 0.000085%; no homozygotes.

Submissions (2):

Ambry Genetics
Classification: Uncertain significance for Familial thoracic aortic aneurysm and aortic dissection. Last evaluated: 2026-07-21. Review status: criteria provided, single submitter. Criteria: Ambry Variant Classification Scheme 2023. Collection method: clinical testing. Allele origin: germline.
Comment: The p.E1683K variant (also known as c.5047G>A), located in coding exon 27 of the MYLK gene, results from a G to A substitution at nucleotide position 5047. The glutamic acid at codon 1683 is replaced by lysine, an amino acid with similar properties. This amino acid position is conserved. In addition, the in silico prediction for this alteration is inconclusive. Based on the available evidence, the clinical significance of this variant remains unclear.

Labcorp Genetics (formerly Invitae), Labcorp
Classification: Uncertain significance for Aortic aneurysm, familial thoracic 7. Last evaluated: 2025-08-24. Review status: criteria provided, single submitter. Criteria: Invitae Variant Classification Sherloc (09022015). Collection method: clinical testing. Allele origin: germline.
Comment: This sequence change replaces glutamic acid, which is acidic and polar, with lysine, which is basic and polar, at codon 1683 of the MYLK protein (p.Glu1683Lys). This variant is not present in population databases (gnomAD no frequency). This variant has not been reported in the literature in individuals affected with MYLK-related conditions. ClinVar contains an entry for this variant (Variation ID: 1367401). Invitae Evidence Modeling of protein sequence and biophysical properties (such as structural, functional, and spatial information, amino acid conservation, physicochemical variation, residue mobility, and thermodynamic stability) indicates that this missense variant is not expected to disrupt MYLK protein function with a negative predictive value of 95%. In summary, the available evidence is currently insufficient to determine the role of this variant in disease. Therefore, it has been classified as a Variant of Uncertain Significance.